The following is an entry in ClinVar:

ClinVar aggregate classification (germline): Benign. Review status: criteria provided, multiple submitters, no conflicts (2 of 4 stars). 2 submissions from 2 submitters: Benign (2). Last evaluated 2026-06-01.

Conditions:
Autosomal recessive agammaglobulinemia 1 (AGM1). Also called: AGAMMAGLOBULINEMIA, AUTOSOMAL RECESSIVE, DUE TO IGHM DEFECT; Agammaglobulinemia type 1. Identifiers: MedGen C3152144, MONDO:0020729, OMIM 601495.

Allele frequency attached by ClinVar (database versions not stated): 1000 Genomes Project 0.00220; 1000 Genomes Project 30x 0.00234; TOPMed 0.00960; ESP Exome Variant Server 0.01103.

Submissions (2):

CeGaT Center for Human Genetics Tuebingen
Classification: Benign. Last evaluated: 2026-06-01. Review status: criteria provided, single submitter. Criteria: CeGaT Center For Human Genetics Tuebingen Variant Classification Criteria Version 2. Collection method: clinical testing. Allele origin: germline. Affected: yes. Observed: 3 variant alleles.
Comment: IGHM: BP4, BP7, BS1, BS2

ARUP Laboratories, Molecular Genetics and Genomics, ARUP Laboratories
Classification: Benign for Autosomal recessive agammaglobulinemia 1. Last evaluated: 2024-10-30. Review status: criteria provided, single submitter. Criteria: ARUP Molecular Germline Variant Investigation Process 2024. Collection method: clinical testing. Allele origin: germline.

NC_000014.9:g.105856156C>T

Genes: IGH (immunoglobulin heavy locus; minus strand), IGHM (immunoglobulin heavy constant mu; minus strand). Cytogenetic location: 14q32.33.
Variant type: single nucleotide variant.
Genome position: GRCh38 VCF-style: chr14-105856156-C-T. GRCh37 (hg19) VCF-style: chr14-106322261-C-T.
Identifiers: ClinVar variation 439815 (VCV000439815.34), dbSNP rs201981439, ClinGen allele CA266543397.
Genomic context (GRCh38, chr14:105,856,156, plus strand): 5'-GGAGAAAGTGATGGAGTCGGGAAGGAAGTCCTGTGCGAGGCAGCCAACGGCCACGCTGCT[C>T]GTATCCGACGGGGAATTCTCACAGGAGACGAGGGGGAAAAGGGTTGGGGCGGATGCACTC-3'